The following is an entry in ClinVar:

NM_002519.3(NPAT):c.4039A>T (p.Thr1347Ser)

Gene: NPAT (nuclear protein, coactivator of histone transcription; minus strand). Cytogenetic location: 11q22.3.
Variant type: single nucleotide variant.
Coding change: c.4039A>T on transcript NM_002519.3 (MANE Select); coding-DNA position 4039, A replaced by T.
Protein change: p.Thr1347Ser; replaces threonine 1347 with serine.
Molecular consequence: missense variant.
Genome position (GRCh38, 1-based): chr11:108,161,047, T>A on the plus strand (A>T on the coding strand, the complement: NPAT is on the minus strand). VCF-style: chr11-108161047-T-A. GRCh37 (hg19) VCF-style: chr11-108031774-T-A.
Other names: c.4060A>T, p.Thr1354Ser (NM_001321307.1); short protein forms T1354S, T1347S.
Identifiers: ClinVar variation 1737259 (VCV001737259.3), dbSNP rs753080181, ClinGen allele CA6263487.
Genomic context (GRCh38, chr11:108,161,047, plus strand): 5'-TGGTGCTCCTTGAAGATGCTCTAAACTGTTGTGTGTTATCTTTCAGAGGAGTTGCTGAAG[T>A]AGTCCTAGAAATGGCTGCCCTGGAGAGAATCATTAATGTGTGGGCAGCCATATTTACACT-3'
Protein context (NP_002510.2, residues 1337-1357): ILSRAAISRT[Thr1347Ser]SATPLKDNTQ

ClinVar aggregate classification (germline): Uncertain significance (1 of 4 stars; one submission).

Allele frequency attached by ClinVar (database versions not stated): gnomAD exomes 0.00001; ExAC 0.00002.
gnomAD v4.1: 3 of 1,614,184 alleles (0.00019%); highest among the groups gnomAD compares: Non-Finnish European, 0.00025%; no homozygotes.

Submission:

Ambry Genetics
Classification: Uncertain significance. Last evaluated: 2023-07-06. Review status: criteria provided, single submitter. Criteria: Ambry Variant Classification Scheme 2023. Collection method: clinical testing. Allele origin: germline.
Comment: The p.T1347S variant (also known as c.4039A>T), located in coding exon 17 of the NPAT gene, results from an A to T substitution at nucleotide position 4039. The threonine at codon 1347 is replaced by serine, an amino acid with similar properties. This amino acid position is conserved. In addition, this alteration is predicted to be tolerated by in silico analysis. Since supporting evidence is limited at this time, the clinical significance of this alteration remains unclear.